The following is an entry in ClinVar:

NM_001282933.2(ZNF341):c.439G>A (p.Ala147Thr)

Gene: ZNF341 (zinc finger protein 341; plus strand). Cytogenetic location: 20q11.22.
Variant type: single nucleotide variant.
Coding change: c.439G>A on transcript NM_001282933.2 (MANE Select); coding-DNA position 439, G replaced by A.
Protein change: p.Ala147Thr; replaces alanine 147 with threonine.
Molecular consequence: missense variant. On other transcripts: non-coding transcript variant (1).
Genome position (GRCh38, 1-based): chr20:33,749,022, G>A. VCF-style: chr20-33749022-G-A. GRCh37 (hg19) VCF-style: chr20-32336828-G-A.
Other names: c.169G>A, p.Ala57Thr (NM_001282935.2); c.439G>A, p.Ala147Thr (NM_032819.5); short protein forms A147T, A57T.
Identifiers: ClinVar variation 1914385 (VCV001914385.5), dbSNP rs1022402557, ClinGen allele CA313331440.

ClinVar aggregate classification (germline): Uncertain significance (1 of 4 stars; one submission).

Allele frequency attached by ClinVar (database versions not stated): gnomAD exomes below 0.00001.
gnomAD v4.1: 2 of 1,614,192 alleles (0.00012%); highest among the groups gnomAD compares: Non-Finnish European, 0.000085%; no homozygotes.

Submission:

Labcorp Genetics (formerly Invitae), Labcorp
Classification: Uncertain significance. Last evaluated: 2022-06-21. Review status: criteria provided, single submitter. Criteria: Invitae Variant Classification Sherloc (09022015). Collection method: clinical testing. Allele origin: germline.
Comment: This variant is not present in population databases (gnomAD no frequency). This variant has not been reported in the literature in individuals affected with ZNF341-related conditions. Algorithms developed to predict the effect of missense changes on protein structure and function (SIFT, PolyPhen-2, Align-GVGD) all suggest that this variant is likely to be disruptive. In summary, the available evidence is currently insufficient to determine the role of this variant in disease. Therefore, it has been classified as a Variant of Uncertain Significance. This sequence change replaces alanine, which is neutral and non-polar, with threonine, which is neutral and polar, at codon 147 of the ZNF341 protein (p.Ala147Thr).